The following is an entry in ClinVar:

NM_207352.4(CYP4V2):c.404T>C (p.Leu135Pro)

Gene: CYP4V2 (cytochrome P450 family 4 subfamily V member 2; plus strand). Cytogenetic location: 4q35.1.
Variant type: single nucleotide variant.
Coding change: c.404T>C on transcript NM_207352.4 (MANE Select); coding-DNA position 404, T replaced by C.
Protein change: p.Leu135Pro; replaces leucine 135 with proline.
Molecular consequence: missense variant.
Genome position (GRCh38, 1-based): chr4:186,196,079, T>C. VCF-style: chr4-186196079-T-C. GRCh37 (hg19) VCF-style: chr4-187117233-T-C.
Other names: short protein forms L135P.
Identifiers: ClinVar variation 1476738 (VCV001476738.5), dbSNP rs764016255, ClinGen allele CA3162532.

ClinVar aggregate classification (germline): Uncertain significance (1 of 4 stars; one submission).

Allele frequency attached by ClinVar (database versions not stated): gnomAD exomes below 0.00001; ExAC 0.00001.
gnomAD v4.1: 1 of 1,613,572 alleles (0.000062%); highest among the groups gnomAD compares: Non-Finnish European, 0.000085%; no homozygotes.

Submission:

Labcorp Genetics (formerly Invitae), Labcorp
Classification: Uncertain significance. Last evaluated: 2021-08-27. Review status: criteria provided, single submitter. Criteria: Invitae Variant Classification Sherloc (09022015). Collection method: clinical testing. Allele origin: germline.
Comment: This sequence change replaces leucine with proline at codon 135 of the CYP4V2 protein (p.Leu135Pro). The leucine residue is highly conserved and there is a moderate physicochemical difference between leucine and proline. This variant is present in population databases (rs764016255, ExAC 0.002%). This variant has not been reported in the literature in individuals affected with CYP4V2-related conditions. Advanced modeling of protein sequence and biophysical properties (such as structural, functional, and spatial information, amino acid conservation, physicochemical variation, residue mobility, and thermodynamic stability) performed at Invitae indicates that this missense variant is expected to disrupt CYP4V2 protein function. In summary, the available evidence is currently insufficient to determine the role of this variant in disease. Therefore, it has been classified as a Variant of Uncertain Significance.